The following is an entry in ClinVar:

ClinVar aggregate classification (germline): Pathogenic (1 of 4 stars; one submission).

Submission:

Labcorp Genetics (formerly Invitae), Labcorp
Classification: Pathogenic. Last evaluated: 2017-10-28. Review status: criteria provided, single submitter. Criteria: Invitae Variant Classification Sherloc (09022015). Collection method: clinical testing. Allele origin: germline.
Comment: This sequence change creates a premature translational stop signal (p.Glu1504Argfs*16) in the SON gene. It is expected to result in an absent or disrupted protein product. This variant is not present in population databases (ExAC no frequency). This variant has not been reported in the literature in individuals with SON-related disease. Loss-of-function variants in SON are known to be pathogenic (PMID: 27545676, 27545680). For these reasons, this variant has been classified as Pathogenic.

Literature cited by the submitters: PubMed 27545676; PubMed 27545680.

NM_138927.4(SON):c.4510del (p.Glu1504fs)

Gene: SON (SON DNA and RNA binding protein; plus strand). Cytogenetic location: 21q22.11.
Variant type: Deletion.
Coding change: c.4510del on transcript NM_138927.4 (MANE Select); coding-DNA position 4510, one base deleted (G; older notation c.4510delG).
Protein change: p.Glu1504fs; shifts the reading frame from glutamic acid 1504.
Molecular consequence: frameshift variant. On other transcripts: non-coding transcript variant (1), intron variant (1).
Genome position (GRCh38, 1-based): chr21:33,553,741, G deleted; the last of 2 consecutive G bases (chr21:33,553,740-33,553,741); deleting either gives the same sequence. VCF-style (leftmost placement, unchanged base first): chr21-33553739-AG-A. GRCh37 (hg19) VCF-style: chr21-34926045-AG-A.
Other names: c.4510del, p.Glu1504fs (NM_001291411.2, NM_032195.3); c.245-3415del (NM_001291412.3); short protein forms E1504fs.
Identifiers: ClinVar variation 1076051 (VCV001076051.2), dbSNP rs2145833916, ClinGen allele CA2499225861.